The following is an entry in ClinVar:

ClinVar aggregate classification (germline): Uncertain significance (1 of 4 stars; one submission).

Conditions:
RTEL1-related disorder. Also called: RTEL1-related disorders; RTEL1-related condition.

gnomAD v4.1: 1 of 1,612,676 alleles (0.000062%); highest among the groups gnomAD compares: Non-Finnish European, 0.000085%; no homozygotes.

Submission:

PreventionGenetics, part of Exact Sciences
Classification: Uncertain significance for RTEL1-related condition. Last evaluated: 2026-03-06. Review status: criteria provided, single submitter. Criteria: ACMG Guidelines, 2015. Collection method: clinical testing. Allele origin: germline.
Comment: The RTEL1 c.2853C>G variant is predicted to result in the amino acid substitution p.Asp951Glu. To our knowledge, this variant has not been reported in the literature or in a large population database (gnomAD), indicating this variant is rare. At this time, the clinical significance of this variant is uncertain due to the absence of conclusive functional and genetic evidence.

NM_001283009.2(RTEL1):c.2781C>G (p.Asp927Glu)

Genes: RTEL1 (regulator of telomere elongation helicase 1; plus strand), RTEL1-TNFRSF6B (RTEL1-TNFRSF6B readthrough (NMD candidate); plus strand). Cytogenetic location: 20q13.33.
Variant type: single nucleotide variant.
Coding change: c.2781C>G on transcript NM_001283009.2 (MANE Select); coding-DNA position 2781, C replaced by G.
Protein change: p.Asp927Glu; replaces aspartic acid 927 with glutamic acid.
Molecular consequence: missense variant. On other transcripts: non-coding transcript variant (1).
Genome position (GRCh38, 1-based): chr20:63,692,933, C>G. VCF-style: chr20-63692933-C-G. GRCh37 (hg19) VCF-style: chr20-62324286-C-G.
Other names: c.2112C>G, p.Asp704Glu (NM_001283010.1); c.2781C>G, p.Asp927Glu (NM_016434.4); c.2853C>G, p.Asp951Glu (NM_032957.5); short protein forms D951E, D704E, D927E.
Identifiers: ClinVar variation 4984920 (VCV004984920.1).